The following is an entry in ClinVar:

NM_016128.4(COPG1):c.831G>A (p.Leu277=)

Gene: COPG1 (coat protein complex I subunit gamma 1; plus strand). Cytogenetic location: 3q21.3.
Variant type: single nucleotide variant.
Coding change: c.831G>A on transcript NM_016128.4 (MANE Select); coding-DNA position 831, G replaced by A.
Protein change: p.Leu277=; no amino-acid change (leucine 277 retained).
Molecular consequence: synonymous variant.
Genome position (GRCh38, 1-based): chr3:129,257,820, G>A. VCF-style: chr3-129257820-G-A. GRCh37 (hg19) VCF-style: chr3-128976663-G-A.
Identifiers: ClinVar variation 3387904 (VCV003387904.15).

ClinVar aggregate classification (germline): Benign. Review status: criteria provided, multiple submitters, no conflicts (2 of 4 stars). 2 submissions from 2 submitters: Benign (2). Last evaluated 2026-01-23.

gnomAD v4.1: 4,166 of 1,614,010 alleles (0.26%); highest among the groups gnomAD compares: African/African-American, 1.5%; 17 homozygotes.

Submissions (2):

Women's Health and Genetics/Laboratory Corporation of America, LabCorp
Classification: Benign. Last evaluated: 2026-01-23. Review status: criteria provided, single submitter. Criteria: LabCorp Variant Classification Summary - May 2015. Collection method: clinical testing. Allele origin: germline.

CeGaT Center for Human Genetics Tuebingen
Classification: Benign. Last evaluated: 2024-09-01. Review status: criteria provided, single submitter. Criteria: CeGaT Center For Human Genetics Tuebingen Variant Classification Criteria Version 2. Collection method: clinical testing. Allele origin: germline. Affected: yes. Observed: 1 variant allele.
Comment: COPG1: BP4, BP7, BS1, BS2